The following is an entry in ClinVar:

NM_001035.3(RYR2):c.4834A>T (p.Ser1612Cys)

Gene: RYR2 (ryanodine receptor 2; plus strand). Cytogenetic location: 1q43.
Variant type: single nucleotide variant.
Coding change: c.4834A>T on transcript NM_001035.3 (MANE Select); coding-DNA position 4834, A replaced by T.
Protein change: p.Ser1612Cys; replaces serine 1612 with cysteine.
Molecular consequence: missense variant.
Genome position (GRCh38, 1-based): chr1:237,610,912, A>T. VCF-style: chr1-237610912-A-T. GRCh37 (hg19) VCF-style: chr1-237774212-A-T.
Other names: short protein forms S1612C.
Identifiers: ClinVar variation 5009906 (VCV005009906.1).

ClinVar aggregate classification (germline): Uncertain significance (1 of 4 stars; one submission).

Submission:

GeneDx
Classification: Uncertain significance. Last evaluated: 2026-02-28. Review status: criteria provided, single submitter. Criteria: GeneDx Variant Classification Process June 2021. Collection method: clinical testing. Allele origin: germline.
Comment: Not observed at significant frequency in large population cohorts (gnomAD); In silico analysis supports that this missense variant has a deleterious effect on protein structure/function; Has not been previously published as pathogenic or benign to our knowledge; Not located in one of the three hot-spot regions of the RYR2 gene, where the majority of pathogenic missense variants occur (PMID: 19926015); This variant is associated with the following publications: (PMID: 19926015)